The following is an entry in ClinVar:

ClinVar aggregate classification (germline): Uncertain significance (1 of 4 stars; one submission).

Submission:

GeneDx
Classification: Uncertain significance. Last evaluated: 2025-07-23. Review status: criteria provided, single submitter. Criteria: GeneDx Variant Classification Process June 2021. Collection method: clinical testing. Allele origin: germline. Affected: yes.
Comment: Not observed at significant frequency in large population cohorts (gnomAD); In silico analysis suggests that this missense variant does not alter protein structure/function; Has not been previously published as pathogenic or benign to our knowledge

NM_001258392.3(CLPB):c.1879G>C (p.Asp627His)

Gene: CLPB (ClpB family mitochondrial disaggregase; minus strand). Cytogenetic location: 11q13.4.
Variant type: single nucleotide variant.
Coding change: c.1879G>C on transcript NM_001258392.3 (MANE Select); coding-DNA position 1879, G replaced by C.
Protein change: p.Asp627His; replaces aspartic acid 627 with histidine.
Molecular consequence: missense variant.
Genome position (GRCh38, 1-based): chr11:72,293,522, C>G on the plus strand (G>C on the coding strand, the complement: CLPB is on the minus strand). VCF-style: chr11-72293522-C-G. GRCh37 (hg19) VCF-style: chr11-72004566-C-G.
Other names: c.1792G>C, p.Asp598His (NM_001258393.3); c.1834G>C, p.Asp612His (NM_001258394.3); c.1969G>C, p.Asp657His (NM_030813.6); short protein forms D598H, D612H, D627H, D657H.
Identifiers: ClinVar variation 4686882 (VCV004686882.1).
Genomic context (GRCh38, chr11:72,293,522, plus strand): 5'-TGGGGAGGCGCTTCTCAGCCTGGGGTGAGGGCAGTTCTGGGCTTTTGAGTAGCTGCTTGT[C>G]TGAGTCCTCCACCGTGATGCGCAAAGTACAGCCCCCTGGCAGCAGGTCCTGCTCATAGGC-3'
Protein context (NP_001245321.1, residues 617-637): CTLRITVEDS[Asp627His]KQLLKSPELP